The following is an entry in ClinVar:

ClinVar aggregate classification (germline): Likely benign (1 of 4 stars; one submission).

Allele frequency attached by ClinVar (database versions not stated): 1000 Genomes Project 0.00180; ESP Exome Variant Server 0.00180; TOPMed 0.00186; 1000 Genomes Project 30x 0.00203; gnomAD exomes 0.00243; ExAC 0.00294; gnomAD 0.00337.
gnomAD v4.1: 4,023 of 1,597,108 alleles (0.25%); highest among the groups gnomAD compares: Middle Eastern, 1%; 314 homozygotes.

Submission:

CeGaT Center for Human Genetics Tuebingen
Classification: Likely benign. Last evaluated: 2026-03-01. Review status: criteria provided, single submitter. Criteria: CeGaT Center For Human Genetics Tuebingen Variant Classification Criteria Version 2. Collection method: clinical testing. Allele origin: germline. Affected: yes. Observed: 6 variant alleles.
Comment: PCDHA2: BS2; PCDHA3: BS2; PCDHA5: BS2; PCDHA6: BS2; PCDHA7: BS2; PCDHA8: BS2; PCDHA9: BS2

NM_018908.3(PCDHA5):c.2352+34141T>C

Genes: PCDHA1 (protocadherin alpha 1; plus strand), PCDHA10 (protocadherin alpha 10; plus strand), PCDHA2 (protocadherin alpha 2; plus strand), PCDHA3 (protocadherin alpha 3; plus strand), PCDHA4 (protocadherin alpha 4; plus strand) and 6 more. Cytogenetic location: 5q31.3.
Variant type: single nucleotide variant.
Coding change: c.2352+34141T>C on transcript NM_018908.3 (MANE Select); 34141 bases into the intron after coding-DNA position 2352, T replaced by C.
Molecular consequence: intron variant. On other transcripts: synonymous variant (2).
Genome position (GRCh38, 1-based): chr5:140,858,268, T>C. VCF-style: chr5-140858268-T-C. GRCh37 (hg19) VCF-style: chr5-140237853-T-C.
Other names: c.2220T>C, p.Ser740= (NM_018901.4, NM_031859.3); c.2394+69584T>C (NM_018900.4); c.1602+70376T>C (NM_031411.3); c.2388+60916T>C (NM_018905.3); c.2394+54677T>C (NM_018906.3); c.2385+48696T>C (NM_018907.4); c.2394+27783T>C (NM_018909.4); c.1602+28575T>C (NM_031849.3); and 4 more.
Identifiers: ClinVar variation 2655784 (VCV002655784.24), dbSNP rs185767188, ClinGen allele CA3451411.
Genomic context (GRCh38, chr5:140,858,268, plus strand): 5'-GTGCTCGGCGGCGCCCACCGAGGGCGCATGTGGGCCGGTGAAGCCCACGCTGGTGTGCTC[T>C]AGCGCGGTGGGGAGCTGGTCTTACTCGCAGCAGAGGCGGCAGAGGGTGTGTTCTGGGGAG-3'